The following is an entry in ClinVar:

NM_001270508.2(TNFAIP3):c.1711G>A (p.Val571Ile)

Gene: TNFAIP3 (TNF alpha induced protein 3; plus strand). Cytogenetic location: 6q23.3.
Variant type: single nucleotide variant.
Coding change: c.1711G>A on transcript NM_001270508.2 (MANE Select); coding-DNA position 1711, G replaced by A.
Protein change: p.Val571Ile; replaces valine 571 with isoleucine.
Molecular consequence: missense variant.
Genome position (GRCh38, 1-based): chr6:137,879,156, G>A. VCF-style: chr6-137879156-G-A. GRCh37 (hg19) VCF-style: chr6-138200293-G-A.
Other names: c.1711G>A, p.Val571Ile (NM_001270507.2, NM_006290.4); short protein forms V571I.
Identifiers: ClinVar variation 2082189 (VCV002082189.4), dbSNP rs748312513, ClinGen allele CA365793318.

ClinVar aggregate classification (germline): Uncertain significance (1 of 4 stars; one submission).

gnomAD v4.1: 6 of 1,613,996 alleles (0.00037%); highest among the groups gnomAD compares: African/African-American, 0.0013%; no homozygotes.

Submission:

Labcorp Genetics (formerly Invitae), Labcorp
Classification: Uncertain significance. Last evaluated: 2022-03-03. Review status: criteria provided, single submitter. Criteria: Invitae Variant Classification Sherloc (09022015). Collection method: clinical testing. Allele origin: germline.
Comment: In summary, the available evidence is currently insufficient to determine the role of this variant in disease. Therefore, it has been classified as a Variant of Uncertain Significance. Algorithms developed to predict the effect of missense changes on protein structure and function output the following: SIFT: "Tolerated"; PolyPhen-2: "Benign"; Align-GVGD: "Class C0". The isoleucine amino acid residue is found in multiple mammalian species, which suggests that this missense change does not adversely affect protein function. This sequence change replaces valine, which is neutral and non-polar, with isoleucine, which is neutral and non-polar, at codon 571 of the TNFAIP3 protein (p.Val571Ile). This variant is present in population databases (no rsID available, gnomAD 0.0009%). This variant has not been reported in the literature in individuals affected with TNFAIP3-related conditions.